The following is an entry in ClinVar:

ClinVar aggregate classification (germline): Uncertain significance. Review status: criteria provided, multiple submitters, no conflicts (2 of 4 stars). 2 submissions from 2 submitters: Uncertain significance (2). Last evaluated 2025-07-20.

Conditions:
Cardiomyopathy (CMYO). Also called: Cardiomyopathies. Identifiers: Orphanet 167848, MedGen C0878544, MONDO:0004994, HP:0001638. Inheritance: Various modes of inheritance.

gnomAD v4.1: 1 of 1,609,366 alleles (0.000062%); highest among the groups gnomAD compares: Non-Finnish European, 0.000085%; no homozygotes.

Submissions (2):

Color Diagnostics, LLC DBA Color Health
Classification: Uncertain significance for Cardiomyopathy. Last evaluated: 2025-07-20. Review status: criteria provided, single submitter. Criteria: ACMG Guidelines, 2015. Collection method: clinical testing. Allele origin: germline.
Comment: This missense variant replaces glycine with aspartic acid at codon 1134 of the MYBPC3 protein. Computational prediction suggests that this variant may not impact protein structure and function. To our knowledge, functional studies have not been reported for this variant. This variant has not been reported in individuals affected with MYBPC3-related disorders in the literature. This variant has not been identified in the general population by the Genome Aggregation Database (gnomAD). The available evidence is insufficient to determine the role of this variant in disease conclusively. Therefore, this variant is classified as a Variant of Uncertain Significance.

Blueprint Genetics
Classification: Uncertain significance. Last evaluated: 2023-09-08. Review status: criteria provided, single submitter. Criteria: ACMG Guidelines, 2015. Collection method: clinical testing. Allele origin: germline.

NM_000256.3(MYBPC3):c.3401G>A (p.Gly1134Asp)

Gene: MYBPC3 (myosin binding protein C3; minus strand). Cytogenetic location: 11p11.2.
Variant type: single nucleotide variant.
Coding change: c.3401G>A on transcript NM_000256.3 (MANE Select); coding-DNA position 3401, G replaced by A.
Protein change: p.Gly1134Asp; replaces glycine 1134 with aspartic acid.
Molecular consequence: missense variant.
Genome position (GRCh38, 1-based): chr11:47,332,903, C>T on the plus strand (G>A on the coding strand, the complement: MYBPC3 is on the minus strand). VCF-style: chr11-47332903-C-T. GRCh37 (hg19) VCF-style: chr11-47354454-C-T.
Other names: short protein forms G1134D.
Identifiers: ClinVar variation 4757682 (VCV004757682.2).